The following is an entry in ClinVar:

ClinVar aggregate classification (germline): Uncertain significance (1 of 4 stars; one submission).

Conditions:
COG5-congenital disorder of glycosylation. Also called: CONGENITAL DISORDER OF GLYCOSYLATION, TYPE IIi; CDG IIi; COG5-CDG. Identifiers: Orphanet 263487, MedGen C3150876, MONDO:0013325, OMIM 613612.

Submission:

Labcorp Genetics (formerly Invitae), Labcorp
Classification: Uncertain significance for COG5-congenital disorder of glycosylation. Last evaluated: 2024-08-05. Review status: criteria provided, single submitter. Criteria: Invitae Variant Classification Sherloc (09022015). Collection method: clinical testing. Allele origin: germline.
Comment: This sequence change replaces alanine, which is neutral and non-polar, with threonine, which is neutral and polar, at codon 307 of the COG5 protein (p.Ala307Thr). This variant is not present in population databases (gnomAD no frequency). This variant has not been reported in the literature in individuals affected with COG5-related conditions. ClinVar contains an entry for this variant (Variation ID: 1387315). An algorithm developed to predict the effect of missense changes on protein structure and function (PolyPhen-2) suggests that this variant is likely to be tolerated. In summary, the available evidence is currently insufficient to determine the role of this variant in disease. Therefore, it has been classified as a Variant of Uncertain Significance.

NM_006348.5(COG5):c.826G>A (p.Ala276Thr)

Gene: COG5 (component of oligomeric golgi complex 5; minus strand). Cytogenetic location: 7q22.3.
Variant type: single nucleotide variant.
Coding change: c.826G>A on transcript NM_006348.5 (MANE Select); coding-DNA position 826, G replaced by A.
Protein change: p.Ala276Thr; replaces alanine 276 with threonine.
Molecular consequence: missense variant. On other transcripts: intron variant (2).
Genome position (GRCh38, 1-based): chr7:107,372,604, C>T on the plus strand (G>A on the coding strand, the complement: COG5 is on the minus strand). VCF-style: chr7-107372604-C-T. GRCh37 (hg19) VCF-style: chr7-107013049-C-T.
Other names: c.826G>A, p.Ala276Thr (NM_001161520.2, NM_001379511.1, NM_001379512.1 and 3 more transcripts); c.235-10494G>A (NM_001379516.1); c.539-74258G>A (NM_001379515.1); short protein forms A276T.
Identifiers: ClinVar variation 1387315 (VCV001387315.6), dbSNP rs2129050090, ClinGen allele CA368940567.